The following is an entry in ClinVar:

NM_004994.3(MMP9):c.1233T>G (p.His411Gln)

Gene: MMP9 (matrix metallopeptidase 9; plus strand). Cytogenetic location: 20q13.12.
Variant type: single nucleotide variant.
Coding change: c.1233T>G on transcript NM_004994.3 (MANE Select); coding-DNA position 1233, T replaced by G.
Protein change: p.His411Gln; replaces histidine 411 with glutamine.
Molecular consequence: missense variant.
Genome position (GRCh38, 1-based): chr20:46,012,485, T>G. VCF-style: chr20-46012485-T-G. GRCh37 (hg19) VCF-style: chr20-44641124-T-G.
Other names: short protein forms H411Q.
Identifiers: ClinVar variation 4767983 (VCV004767983.1).
Genomic context (GRCh38, chr20:46,012,485, plus strand): 5'-AGGATACAGTTTGTTCCTCGTGGCGGCGCATGAGTTCGGCCACGCGCTGGGCTTAGATCA[T>G]TCCTCAGTGCCGGAGGCGCTCATGTACCCTATGTACCGCTTCACTGAGGGGCCCCCCTTG-3'
Protein context (NP_004985.2, residues 401-421): HEFGHALGLD[His411Gln]SSVPEALMYP

ClinVar aggregate classification (germline): Uncertain significance (1 of 4 stars; one submission).

gnomAD v4.1: 2 of 1,614,126 alleles (0.00012%); no homozygotes.

Submission:

Labcorp Genetics (formerly Invitae), Labcorp
Classification: Uncertain significance. Last evaluated: 2025-04-22. Review status: criteria provided, single submitter. Criteria: Invitae Variant Classification Sherloc (09022015). Collection method: clinical testing. Allele origin: germline.
Comment: This sequence change replaces histidine, which is basic and polar, with glutamine, which is neutral and polar, at codon 411 of the MMP9 protein (p.His411Gln). This variant is present in population databases (no rsID available, gnomAD 0.0009%). This variant has not been reported in the literature in individuals affected with MMP9-related conditions. Invitae Evidence Modeling of protein sequence and biophysical properties (such as structural, functional, and spatial information, amino acid conservation, physicochemical variation, residue mobility, and thermodynamic stability) indicates that this missense variant is expected to disrupt MMP9 protein function with a positive predictive value of 80%. In summary, the available evidence is currently insufficient to determine the role of this variant in disease. Therefore, it has been classified as a Variant of Uncertain Significance.